The following is an entry in ClinVar:

NM_005612.5(REST):c.1367A>G (p.Asp456Gly)

Gene: REST (RE1 silencing transcription factor; plus strand). Cytogenetic location: 4q12.
Variant type: single nucleotide variant.
Coding change: c.1367A>G on transcript NM_005612.5 (MANE Select); coding-DNA position 1367, A replaced by G.
Protein change: p.Asp456Gly; replaces aspartic acid 456 with glycine.
Molecular consequence: missense variant.
Genome position (GRCh38, 1-based): chr4:56,930,225, A>G. VCF-style: chr4-56930225-A-G. GRCh37 (hg19) VCF-style: chr4-57796391-A-G.
Other names: c.1367A>G, p.Asp456Gly (NM_001193508.2, NM_001363453.3); short protein forms D456G.
Identifiers: ClinVar variation 2444901 (VCV002444901.1), dbSNP rs967056074, ClinGen allele CA97636430.

ClinVar aggregate classification (germline): Uncertain significance (1 of 4 stars; one submission).

Conditions:
Wilms tumor 6 (WT6). Also called: WILMS TUMOR 6, SUSCEPTIBILITY TO. Identifiers: Orphanet 654, MedGen C3891301, MONDO:0014779, OMIM 616806.

Submission:

St. Jude Molecular Pathology, St. Jude Children's Research Hospital
Classification: Uncertain significance for Wilms tumor 6. Last evaluated: 2022-11-29. Review status: criteria provided, single submitter. Criteria: St. Jude Assertion Criteria 2020. Collection method: clinical testing. Allele origin: germline.
Comment: The REST c.1367A>G (p.Asp456Gly) missense change is absent in gnomAD v2.1.1 (PM2_supporting ). The in silico tool REVEL predicts a benign effect on protein function, but to our knowledge this prediction has not been confirmed by functional studies. To our knowledge, this variant has not been reported in individuals with Wilms tumor.   In summary, the evidence currently available is insufficient to determine the clinical significance of this variant. It has therefore been classified as of uncertain significance.